The following is an entry in ClinVar:

NM_001130144.3(LTBP3):c.1148C>G (p.Pro383Arg)

Gene: LTBP3 (latent transforming growth factor beta binding protein 3; minus strand). Cytogenetic location: 11q13.1.
Variant type: single nucleotide variant.
Coding change: c.1148C>G on transcript NM_001130144.3 (MANE Select); coding-DNA position 1148, C replaced by G.
Protein change: p.Pro383Arg; replaces proline 383 with arginine.
Molecular consequence: missense variant.
Genome position (GRCh38, 1-based): chr11:65,552,898, G>C on the plus strand (C>G on the coding strand, the complement: LTBP3 is on the minus strand). VCF-style: chr11-65552898-G-C. GRCh37 (hg19) VCF-style: chr11-65320369-G-C.
Other names: c.797C>G, p.Pro266Arg (NM_001164266.1); c.1148C>G, p.Pro383Arg (NM_021070.4); short protein forms P266R, P383R.
Identifiers: ClinVar variation 2759411 (VCV002759411.3), dbSNP rs2496171909, ClinGen allele CA381274259.

ClinVar aggregate classification (germline): Uncertain significance (1 of 4 stars; one submission).

Conditions:
Brachyolmia-amelogenesis imperfecta syndrome. Also called: Tooth agenesis, selective, 6; Dental anomalies and short stature; PLATYSPONDYLY WITH AMELOGENESIS IMPERFECTA. Identifiers: Orphanet 2899, MedGen C1832594, MONDO:0011018, OMIM 601216. Disease mechanism: loss of function.

Submission:

Labcorp Genetics (formerly Invitae), Labcorp
Classification: Uncertain significance for Brachyolmia-amelogenesis imperfecta syndrome. Last evaluated: 2023-09-09. Review status: criteria provided, single submitter. Criteria: Invitae Variant Classification Sherloc (09022015). Collection method: clinical testing. Allele origin: germline.
Comment: In summary, the available evidence is currently insufficient to determine the role of this variant in disease. Therefore, it has been classified as a Variant of Uncertain Significance. An algorithm developed to predict the effect of missense changes on protein structure and function (PolyPhen-2) suggests that this variant is likely to be disruptive. This variant has not been reported in the literature in individuals affected with LTBP3-related conditions. This variant is not present in population databases (gnomAD no frequency). This sequence change replaces proline, which is neutral and non-polar, with arginine, which is basic and polar, at codon 383 of the LTBP3 protein (p.Pro383Arg).